The following is an entry in ClinVar:

NM_001719.3(BMP7):c.161T>C (p.Met54Thr)

Gene: BMP7 (bone morphogenetic protein 7; minus strand). Cytogenetic location: 20q13.31.
Variant type: single nucleotide variant.
Coding change: c.161T>C on transcript NM_001719.3 (MANE Select); coding-DNA position 161, T replaced by C.
Protein change: p.Met54Thr; replaces methionine 54 with threonine.
Molecular consequence: missense variant.
Genome position (GRCh38, 1-based): chr20:57,265,962, A>G on the plus strand (T>C on the coding strand, the complement: BMP7 is on the minus strand). VCF-style: chr20-57265962-A-G. GRCh37 (hg19) VCF-style: chr20-55841018-A-G.
Other names: short protein forms M54T.
Identifiers: ClinVar variation 2747860 (VCV002747860.3), dbSNP rs536220019, ClinGen allele CA409701944.
Genomic context (GRCh38, chr20:57,265,962, plus strand): 5'-CCCTGGAGGTGCGGGCGCGGGCGGTGGGGCAAGCCCAAAATGGAGAGGATCTCGCGCTGC[A>G]TCTCCCGCCGCTCCTGGCTGCGGAGGCGCCGGTGGATGAAGCTCGAGTGCACCTCGTTGT-3'
Protein context (NP_001710.1, residues 44-64): RRLRSQERRE[Met54Thr]QREILSILGL

ClinVar aggregate classification (germline): Uncertain significance (1 of 4 stars; one submission).

Allele frequency attached by ClinVar (database versions not stated): gnomAD exomes below 0.00001.
gnomAD v4.1: 1 of 1,550,982 alleles (0.000064%); highest among the groups gnomAD compares: Non-Finnish European, 0.000087%; no homozygotes.

Submission:

Labcorp Genetics (formerly Invitae), Labcorp
Classification: Uncertain significance. Last evaluated: 2023-07-28. Review status: criteria provided, single submitter. Criteria: Invitae Variant Classification Sherloc (09022015). Collection method: clinical testing. Allele origin: germline.
Comment: In summary, the available evidence is currently insufficient to determine the role of this variant in disease. Therefore, it has been classified as a Variant of Uncertain Significance. An algorithm developed to predict the effect of missense changes on protein structure and function (PolyPhen-2) suggests that this variant is likely to be tolerated. This variant has not been reported in the literature in individuals affected with BMP7-related conditions. This variant is not present in population databases (gnomAD no frequency). This sequence change replaces methionine, which is neutral and non-polar, with threonine, which is neutral and polar, at codon 54 of the BMP7 protein (p.Met54Thr).